The following is an entry in ClinVar:

ClinVar aggregate classification (germline): Uncertain significance. Review status: criteria provided, multiple submitters, no conflicts (2 of 4 stars). 2 submissions from 2 submitters: Uncertain significance (2). Last evaluated 2025-08-18.

Conditions:
Emery-Dreifuss muscular dystrophy 5, autosomal dominant (EDMD5). Also called: EMERY-DREIFUSS MUSCULAR DYSTROPHY 5. Identifiers: Orphanet 261, MedGen C2751805, MONDO:0013072, OMIM 612999.

Allele frequency attached by ClinVar (database versions not stated): gnomAD exomes 0.00002 and 0.00010; ExAC 0.00003; gnomAD 0.00003 and 0.00004; TOPMed 0.00005; ESP Exome Variant Server 0.00015.
gnomAD v4.1: 152 of 1,614,072 alleles (0.0094%); highest among the groups gnomAD compares: Non-Finnish European, 0.012%; no homozygotes.

Submissions (2):

Labcorp Genetics (formerly Invitae), Labcorp
Classification: Uncertain significance for Emery-Dreifuss muscular dystrophy 5, autosomal dominant. Last evaluated: 2025-08-18. Review status: criteria provided, single submitter. Criteria: Invitae Variant Classification Sherloc (09022015). Collection method: clinical testing. Allele origin: germline.
Comment: This sequence change replaces isoleucine, which is neutral and non-polar, with threonine, which is neutral and polar, at codon 6106 of the SYNE2 protein (p.Ile6106Thr). This variant is present in population databases (rs144624224, gnomAD 0.007%). This variant has not been reported in the literature in individuals affected with SYNE2-related conditions. ClinVar contains an entry for this variant (Variation ID: 1491885). An algorithm developed to predict the effect of missense changes on protein structure and function (PolyPhen-2) suggests that this variant is likely to be disruptive. In summary, the available evidence is currently insufficient to determine the role of this variant in disease. Therefore, it has been classified as a Variant of Uncertain Significance.

Revvity Omics, Revvity
Classification: Uncertain significance for Emery-Dreifuss muscular dystrophy 5, autosomal dominant. Last evaluated: 2024-02-06. Review status: criteria provided, single submitter. Criteria: ACMG Guidelines, 2015. Collection method: clinical testing. Allele origin: germline.

NM_182914.3(SYNE2):c.18317T>C (p.Ile6106Thr)

Gene: SYNE2 (spectrin repeat containing nuclear envelope protein 2; plus strand). Cytogenetic location: 14q23.2.
Variant type: single nucleotide variant.
Coding change: c.18317T>C on transcript NM_182914.3 (MANE Select); coding-DNA position 18317, T replaced by C.
Protein change: p.Ile6106Thr; replaces isoleucine 6106 with threonine.
Molecular consequence: missense variant.
Genome position (GRCh38, 1-based): chr14:64,208,873, T>C. VCF-style: chr14-64208873-T-C. GRCh37 (hg19) VCF-style: chr14-64675591-T-C.
Other names: c.18317T>C, p.Ile6106Thr (NM_015180.6); c.18317T>C (NM_182914.2); short protein forms I6106T.
Identifiers: ClinVar variation 1491885 (VCV001491885.9), dbSNP rs144624224, ClinGen allele CA7224036.